The following is an entry in ClinVar:

NM_177438.3(DICER1):c.5257G>T (p.Asp1753Tyr)

Gene: DICER1 (dicer 1, ribonuclease III; minus strand). Cytogenetic location: 14q32.13.
Variant type: single nucleotide variant.
Coding change: c.5257G>T on transcript NM_177438.3 (MANE Select); coding-DNA position 5257, G replaced by T.
Protein change: p.Asp1753Tyr; replaces aspartic acid 1753 with tyrosine.
Molecular consequence: missense variant.
Genome position (GRCh38, 1-based): chr14:95,093,995, C>A on the plus strand (G>T on the coding strand, the complement: DICER1 is on the minus strand). VCF-style: chr14-95093995-C-A. GRCh37 (hg19) VCF-style: chr14-95560332-C-A.
Other names: c.5257G>T, p.Asp1753Tyr (NM_001195573.1, NM_001271282.3, NM_001291628.2 and 1 more transcripts); short protein forms D1753Y.
Identifiers: ClinVar variation 659346 (VCV000659346.11), dbSNP rs1460430963, ClinGen allele CA390865105.
Genomic context (GRCh38, chr14:95,093,995, plus strand): 5'-CAAAGTCATCAATGACATGGAAGAGCTCAGGAGAGACAGCTTTGAAGTACTTGTGGTAGT[C>A]GTACTTTACAGCCAGCGATGCAAAGATGGTGTTGTTGACCAGGGCAGACCGCAGGTCTGT-3'
Protein context (NP_803187.1, residues 1743-1763): TIFASLAVKY[Asp1753Tyr]YHKYFKAVSP

ClinVar aggregate classification (germline): Uncertain significance. Review status: criteria provided, multiple submitters, no conflicts (2 of 4 stars). 2 submissions from 2 submitters: Uncertain significance (2). Last evaluated 2025-09-20.

Conditions:
DICER1-related tumor predisposition. Also called: DICER1 syndrome; DICER1-related pleuropulmonary blastoma cancer predisposition syndrome. Identifiers: Orphanet 284343, MedGen C3839822, MONDO:0100216.
Hereditary cancer-predisposing syndrome. Also called: Neoplastic Syndromes, Hereditary; Hereditary neoplastic syndrome; Hereditary Cancer Syndrome; Tumor predisposition. Identifiers: Orphanet 140162, MedGen C0027672, MeSH D009386, MONDO:0015356.

Submissions (2):

Labcorp Genetics (formerly Invitae), Labcorp
Classification: Uncertain significance for DICER1-related tumor predisposition. Last evaluated: 2025-09-20. Review status: criteria provided, single submitter. Criteria: Invitae Variant Classification Sherloc (09022015). Collection method: clinical testing. Allele origin: germline.
Comment: This sequence change replaces aspartic acid, which is acidic and polar, with tyrosine, which is neutral and polar, at codon 1753 of the DICER1 protein (p.Asp1753Tyr). This variant is not present in population databases (gnomAD no frequency). This variant has not been reported in the literature in individuals affected with DICER1-related conditions. ClinVar contains an entry for this variant (Variation ID: 659346). Invitae Evidence Modeling of protein sequence and biophysical properties (such as structural, functional, and spatial information, amino acid conservation, physicochemical variation, residue mobility, and thermodynamic stability) has been performed for this missense variant. However, the output from this modeling did not meet the statistical confidence thresholds required to predict the impact of this variant on DICER1 protein function. In summary, the available evidence is currently insufficient to determine the role of this variant in disease. Therefore, it has been classified as a Variant of Uncertain Significance.

Ambry Genetics
Classification: Uncertain significance for Hereditary cancer-predisposing syndrome. Last evaluated: 2024-07-14. Review status: criteria provided, single submitter. Criteria: Ambry Variant Classification Scheme 2023. Collection method: clinical testing. Allele origin: germline.
Comment: The p.D1753Y variant (also known as c.5257G>T), located in coding exon 23 of the DICER1 gene, results from a G to T substitution at nucleotide position 5257. The aspartic acid at codon 1753 is replaced by tyrosine, an amino acid with highly dissimilar properties. This amino acid position is conserved. In addition, this alteration is predicted to be deleterious by in silico analysis. Based on the available evidence, the clinical significance of this variant remains unclear.